The following is an entry in ClinVar:

ClinVar aggregate classification (germline): Uncertain significance. Review status: criteria provided, multiple submitters, no conflicts (2 of 4 stars). 2 submissions from 2 submitters: Uncertain significance (2). Last evaluated 2025-08-22.

Conditions:
Inborn genetic diseases. Identifiers: MedGen C0950123, MeSH D030342.
Glycogen storage disease due to muscle and heart glycogen synthase deficiency. Also called: GSD 0b; MUSCLE GLYCOGEN SYNTHASE DEFICIENCY. Identifiers: Orphanet 137625, MedGen C1969054, MONDO:0012693, OMIM 611556.

Allele frequency attached by ClinVar (database versions not stated): ExAC 0.00001.
gnomAD v4.1: 2 of 1,609,966 alleles (0.00012%); highest among the groups gnomAD compares: Admixed American, 0.0017%; no homozygotes.

Submissions (2):

Ambry Genetics
Classification: Uncertain significance for Inborn genetic diseases. Last evaluated: 2025-08-22. Review status: criteria provided, single submitter. Criteria: Ambry Variant Classification Scheme 2023. Collection method: clinical testing. Allele origin: germline.

Labcorp Genetics (formerly Invitae), Labcorp
Classification: Uncertain significance for Glycogen storage disease due to muscle and heart glycogen synthase deficiency. Last evaluated: 2025-03-07. Review status: criteria provided, single submitter. Criteria: Invitae Variant Classification Sherloc (09022015). Collection method: clinical testing. Allele origin: germline.
Comment: This sequence change replaces proline, which is neutral and non-polar, with serine, which is neutral and polar, at codon 112 of the GYS1 protein (p.Pro112Ser). The frequency data for this variant in the population databases is considered unreliable, as metrics indicate poor data quality at this position in the gnomAD database. This variant has not been reported in the literature in individuals affected with GYS1-related conditions. ClinVar contains an entry for this variant (Variation ID: 2416123). Invitae Evidence Modeling of protein sequence and biophysical properties (such as structural, functional, and spatial information, amino acid conservation, physicochemical variation, residue mobility, and thermodynamic stability) indicates that this missense variant is expected to disrupt GYS1 protein function with a positive predictive value of 80%. In summary, the available evidence is currently insufficient to determine the role of this variant in disease. Therefore, it has been classified as a Variant of Uncertain Significance.

NM_002103.5(GYS1):c.334C>T (p.Pro112Ser)

Gene: GYS1 (glycogen synthase 1; minus strand). Cytogenetic location: 19q13.33.
Variant type: single nucleotide variant.
Coding change: c.334C>T on transcript NM_002103.5 (MANE Select); coding-DNA position 334, C replaced by T.
Protein change: p.Pro112Ser; replaces proline 112 with serine.
Molecular consequence: missense variant. On other transcripts: non-coding transcript variant (1), intron variant (1).
Genome position (GRCh38, 1-based): chr19:48,987,352, G>A on the plus strand (C>T on the coding strand, the complement: GYS1 is on the minus strand). VCF-style: chr19-48987352-G-A. GRCh37 (hg19) VCF-style: chr19-49490609-G-A.
Other names: c.301-1317C>T (NM_001161587.2); c.334C>T (NM_002103.4); short protein forms P112S.
Identifiers: ClinVar variation 2416123 (VCV002416123.7), dbSNP rs770505189, ClinGen allele CA9563370.
Genomic context (GRCh38, chr19:48,987,352, plus strand): 5'-CTCCCTTCCAGCGCTCCAGGGCCCAAGCTGAGGCACCCACGTCCAGGAGCACCACCAGAG[G>A]GCCTCCCTCGATCAGCCAGCGCCCGAAATACACCTGGGATGGGGTTGGGGAGGCACCATA-3'
Protein context (NP_002094.2, residues 102-122): YFGRWLIEGG[Pro112Ser]LVVLLDVGAS